The following is an entry in ClinVar:

NM_007294.4(BRCA1):c.282G>T (p.Gln94His)

Gene: BRCA1 (BRCA1 DNA repair associated; minus strand). Cytogenetic location: 17q21.31.
Variant type: single nucleotide variant.
Coding change: c.282G>T on transcript NM_007294.4 (MANE Select); coding-DNA position 282, G replaced by T.
Protein change: p.Gln94His; replaces glutamine 94 with histidine.
Molecular consequence: missense variant. On other transcripts: non-coding transcript variant (1).
Genome position (GRCh38, 1-based): chr17:43,104,887, C>A on the plus strand (G>T on the coding strand, the complement: BRCA1 is on the minus strand). VCF-style: chr17-43104887-C-A. GRCh37 (hg19) VCF-style: chr17-41256904-C-A.
Other names: c.72G>T, p.Gln24His (NM_001407571.1, NM_001407853.1, NM_001407879.1 and 58 more transcripts); c.282G>T, p.Gln94His (NM_001407581.1, NM_001407582.1, NM_001407583.1 and 168 more transcripts); c.204G>T, p.Gln68His (NM_001407653.1, NM_001407654.1, NM_001407655.1 and 21 more transcripts); c.141G>T, p.Gln47His (NM_001407846.1, NM_001407847.1, NM_001407848.1 and 99 more transcripts); c.-100G>T (NM_001407959.1, NM_001407960.1, NM_001407962.1 and 4 more transcripts); c.150G>T, p.Gln50His (NM_001408451.1); short protein forms Q47H, Q94H, Q24H, Q50H, Q68H.
Identifiers: ClinVar variation 821868 (VCV000821868.11), dbSNP rs1597898117, ClinGen allele CA10601589.

ClinVar aggregate classification (germline): Benign/Likely benign. Review status: criteria provided, multiple submitters, no conflicts (2 of 4 stars). 3 submissions from 3 submitters: Benign (1); Likely benign (2). Last evaluated 2025-11-26.

Conditions:
Hereditary cancer-predisposing syndrome. Also called: Hereditary Cancer Syndrome; Hereditary neoplastic syndrome; Neoplastic Syndromes, Hereditary; Tumor predisposition. Identifiers: Orphanet 140162, MedGen C0027672, MeSH D009386, MONDO:0015356.
Breast-ovarian cancer, familial, susceptibility to, 1 (BROVCA1). Also called: OVARIAN CANCER, SUSCEPTIBILITY TO; BRCA1 Hereditary Breast and Ovarian Cancer. Identifiers: Orphanet 145, MedGen C2676676, MONDO:0011450, OMIM 604370. Disease mechanism: loss of function.

Allele frequency attached by ClinVar (database versions not stated): gnomAD exomes 0.00001.
gnomAD v4.1: 3 of 1,613,862 alleles (0.00019%); highest among the groups gnomAD compares: East Asian, 0.0067%; no homozygotes.

Submissions (4):

Myriad Genetics, Inc.
Classification: Benign for Breast-ovarian cancer, familial, susceptibility to, 1. Last evaluated: 2025-11-26. Review status: criteria provided, single submitter. Criteria: Myriad Autosomal Dominant, Autosomal Recessive and X-Linked Classification Criteria (2023). Collection method: clinical testing. Allele origin: unknown.
Comment: This variant is considered benign. Homozygosity has been confirmed in one or more individuals. As homozygosity for pathogenic variants in this gene is generally assumed to result in embryonic lethality, this variant is unlikely to be pathogenic. This variant is strongly associated with less severe personal and family histories of cancer, typical for individuals without pathogenic variants in this gene [PMID: 25085752].

Women's Health and Genetics/Laboratory Corporation of America, LabCorp
Classification: Likely benign. Last evaluated: 2022-08-11. Review status: criteria provided, single submitter. Criteria: LabCorp Variant Classification Summary - May 2015. Collection method: clinical testing. Allele origin: germline.
Comment: Variant summary: BRCA1 c.282G>T (p.Gln94His) results in a non-conservative amino acid change in the encoded protein sequence. Four of five in-silico tools predict a benign effect of the variant on protein function. The variant allele was found at a frequency of 5.7e-05 in 298676 control chromosomes. This frequency is not significantly higher than expected for a pathogenic variant in BRCA1 causing Hereditary Breast And Ovarian Cancer Syndrome (5.7e-05 vs 0.001), allowing no conclusion about variant significance. c.282G>T has been reported in the literature in HBOC cases and controls (Momozawa_2018, Nakagomi_2018). These reports do not provide unequivocal conclusions about association of the variant with Hereditary Breast And Ovarian Cancer Syndrome. At least one functional study reports experimental evidence evaluating an impact on protein function and showed no damaging effect of this variant on homology directed repair (HDR) activity (e.g. Findlay_2018). HDR assays qualify as a recognized gold standard on the basis of updated guidance provided by the ClinGen Sequence Variant Interpretation (SVI) working group and ACMG BS3 criteria is now recognized as sufficient evidence for a likely benign classification. One clinical diagnostic laboratory has submitted clinical-significance assessments for this variant to ClinVar after 2014 without evidence for independent evaluation. One laboratory classified the variant as likely benign. Based on the evidence outlined above, the variant was classified as likely benign.

Ambry Genetics
Classification: Likely benign for Hereditary cancer-predisposing syndrome. Last evaluated: 2019-09-23. Review status: criteria provided, single submitter. Criteria: Ambry Variant Classification Scheme 2023. Collection method: clinical testing. Allele origin: germline.

Brotman Baty Institute, University of Washington
No classification provided (evidence only). Condition: Breast-ovarian cancer, familial 1. Review status: no classification provided. Collection method: in vitro. Allele origin: not applicable. Functional consequence: functionally_normal. Not counted in ClinVar's aggregate classification.
ClinVar note: "not provided" was previously submitted as the classification for the variant. However, the classification appeared to be based only on an observation of functional data so it was converted to no classification on 2025-07-30.

Literature cited by the submitters: PubMed 25085752 (cited by Myriad Genetics, Inc.); PubMed 29215753 (cited by Women's Health and Genetics/Laboratory Corporation of America, LabCorp); PubMed 30209399 (cited by Women's Health and Genetics/Laboratory Corporation of America, LabCorp and Ambry Genetics); PubMed 30287823 (cited by Women's Health and Genetics/Laboratory Corporation of America, LabCorp and Ambry Genetics); PubMed 32546644 (cited by Women's Health and Genetics/Laboratory Corporation of America, LabCorp); PubMed 33087888 (cited by Women's Health and Genetics/Laboratory Corporation of America, LabCorp); PubMed 25823446 (cited by Ambry Genetics).